The following is an entry in ClinVar:

ClinVar aggregate classification (germline): Uncertain significance. Review status: criteria provided, single submitter (1 of 4 stars). 2 submissions from 1 submitter: Uncertain significance (2).

Conditions:
Transitory neonatal diabetes mellitus. Also called: Transient neonatal diabetes mellitus. Identifiers: MedGen C0342273, MONDO:0020525, HP:0008255.
Maturity-onset diabetes of the young (MODY). Also called: Maturity onset diabetes mellitus in young. Identifiers: Orphanet 552, MedGen C0342276, MONDO:0018911, HP:0004904.

gnomAD v4.1: 12 of 1,585,096 alleles (0.00076%); highest among the groups gnomAD compares: South Asian, 0.012%; no homozygotes.

Submissions (2):

Clinical Genomics, Uppaluri K&H Personalized Medicine Clinic
Classification: Uncertain significance for Maturity-onset diabetes of the young. Review status: criteria provided, single submitter. Criteria: K & H Uppaluri Personalized Medicine Clinic Variant Classification & Assertion Criteria_Updated V.1. Collection method: research. Allele origin: somatic. Inheritance: Somatic mutation.
Comment: Mutations in ABCC8 gene are associated with both neonatal diabetes mellitus as well as MODY. Patients with this mutation may have a better response to sulfonylureas. However, no sufficient evidence is found to ascertain the role of this particular variant (rs1321810156) in MODY yet.

Clinical Genomics, Uppaluri K&H Personalized Medicine Clinic
Classification: Uncertain significance for Transitory neonatal diabetes mellitus. Review status: criteria provided, single submitter. Criteria: K & H Uppaluri Personalized Medicine Clinic Variant Classification & Assertion Criteria_Updated V.1. Collection method: research. Allele origin: somatic. Inheritance: Somatic mutation.
Comment: Mutations in ABCC8 gene are associated with both neonatal diabetes mellitus as well as MODY. Patients with this mutation may have a better response to sulfonylureas. However, no sufficient evidence is found to ascertain the role of this particular variant (rs1321810156) in neonatal diabetes yet.

Literature cited by the submitters: PubMed 16885549; PubMed 21989597; PubMed 27538677; PubMed 18981553; PubMed 32027066; PubMed 16613899; PubMed 18025408; PubMed 32792356.

NM_000352.6(ABCC8):c.2040+100G>T

Gene: ABCC8 (ATP binding cassette subfamily C member 8; minus strand). Cytogenetic location: 11p15.1.
Variant type: single nucleotide variant.
Coding change: c.2040+100G>T on transcript NM_000352.6 (MANE Select); 100 bases into the intron after coding-DNA position 2040, G replaced by T.
Molecular consequence: intron variant.
Genome position (GRCh38, 1-based): chr11:17,428,189, C>A on the plus strand (G>T on the coding strand, the complement: ABCC8 is on the minus strand). VCF-style: chr11-17428189-C-A. GRCh37 (hg19) VCF-style: chr11-17449736-C-A.
Other names: c.2037+100G>T (NM_001351297.2, NM_001351296.2); c.2106+100G>T (NM_001351295.2); c.2040+100G>T (NM_001287174.3).
Identifiers: ClinVar variation 1687631 (VCV001687631.1), dbSNP rs948658520, ClinGen allele CA935538215.